The following is an entry in ClinVar:

NM_001127644.2(GABRA1):c.1238T>G (p.Phe413Cys)

Gene: GABRA1 (gamma-aminobutyric acid type A receptor subunit alpha1; plus strand). Cytogenetic location: 5q34.
Variant type: single nucleotide variant.
Coding change: c.1238T>G on transcript NM_001127644.2 (MANE Select); coding-DNA position 1238, T replaced by G.
Protein change: p.Phe413Cys; replaces phenylalanine 413 with cysteine.
Molecular consequence: missense variant.
Genome position (GRCh38, 1-based): chr5:161,897,289, T>G. VCF-style: chr5-161897289-T-G. GRCh37 (hg19) VCF-style: chr5-161324295-T-G.
Other names: c.1238T>G, p.Phe413Cys (NM_000806.5, NM_001127643.2, NM_001127645.2 and 1 more transcripts); short protein forms F413C.
Identifiers: ClinVar variation 2575633 (VCV002575633.1), dbSNP rs2532296375, ClinGen allele CA362180998.
Genomic context (GRCh38, chr5:161,897,289, plus strand): 5'-CAACCATAGAACCTAAAGAGGTCAAGCCCGAAACAAAACCACCAGAACCCAAGAAAACCT[T>G]TAACAGTGTCAGCAAAATTGACCGACTGTCAAGAATAGCCTTCCCGCTGCTATTTGGAAT-3'
Protein context (NP_001121116.1, residues 403-423): ETKPPEPKKT[Phe413Cys]NSVSKIDRLS

ClinVar aggregate classification (germline): Uncertain significance (1 of 4 stars; one submission).

Submission:

GeneDx
Classification: Uncertain significance. Last evaluated: 2023-01-31. Review status: criteria provided, single submitter. Criteria: GeneDx Variant Classification Process June 2021. Collection method: clinical testing. Allele origin: germline. Affected: yes.
Comment: Not observed at significant frequency in large population cohorts (gnomAD); In silico analysis supports that this missense variant does not alter protein structure/function; Has not been previously published as pathogenic or benign to our knowledge